The following is an entry in ClinVar:

ClinVar aggregate classification (germline): Benign. Review status: criteria provided, multiple submitters, no conflicts (2 of 4 stars). 2 submissions from 2 submitters: Benign (2). Last evaluated 2018-01-13.

Conditions:
Congenital brain dysgenesis due to glutamine synthetase deficiency (GLND). Also called: GLUTAMINE SYNTHASE DEFICIENCY, CONGENITAL SYSTEMIC. Identifiers: Orphanet 71278, MedGen C1864910, MONDO:0012393, OMIM 610015.

Allele frequency attached by ClinVar (database versions not stated): gnomAD 0.83908; 1000 Genomes Project 0.85463; gnomAD exomes 0.60000; TOPMed 0.84658; 1000 Genomes Project 30x 0.85665.
gnomAD v4.1: 127,178 of 151,718 alleles (84%); highest among the groups gnomAD compares: Middle Eastern, 93%; 53,534 homozygotes.

Submissions (2):

Illumina Laboratory Services, Illumina
Classification: Benign for Congenital brain dysgenesis due to glutamine synthetase deficiency. Last evaluated: 2018-01-13. Review status: criteria provided, single submitter. Criteria: ICSL Variant Classification Criteria 13 December 2019. Collection method: clinical testing. Allele origin: germline.
Comment: This variant was observed in the ICSL laboratory as part of a predisposition screen in an ostensibly healthy population. It had not been previously curated by ICSL or reported in the Human Gene Mutation Database (HGMD: prior to June 1st, 2018), and was therefore a candidate for classification through an automated scoring system. Utilizing variant allele frequency, disease prevalence and penetrance estimates, and inheritance mode, an automated score was calculated to assess if this variant is too frequent to cause the disease. Based on the score and internal cut-off values, a variant classified as benign is not then subjected to further curation. The score for this variant resulted in a classification of benign for this disease.

Breakthrough Genomics
Classification: Benign. Review status: criteria provided, single submitter. Criteria: ACMG Guidelines, 2015. Collection method: not provided. Allele origin: germline. Inheritance: Autosomal recessive inheritance. Affected: yes.

NM_001033044.4(GLUL):c.*1913A>T

Gene: GLUL (glutamate-ammonia ligase; minus strand). Cytogenetic location: 1q25.3.
Variant type: single nucleotide variant.
Coding change: c.*1913A>T on transcript NM_001033044.4 (MANE Select); 1913 bases downstream of the stop codon, A replaced by T.
Molecular consequence: 3 prime UTR variant.
Genome position (GRCh38, 1-based): chr1:182,382,492, T>A on the plus strand (A>T on the coding strand, the complement: GLUL is on the minus strand). VCF-style: chr1-182382492-T-A. GRCh37 (hg19) VCF-style: chr1-182351627-T-A.
Other names: c.*1913A>T (NM_001033056.4, NM_002065.7).
Identifiers: ClinVar variation 293902 (VCV000293902.6), dbSNP rs4517308, ClinGen allele CA10608343.